The following is an entry in ClinVar:

NM_032790.4(ORAI1):c.259A>G (p.Lys87Glu)

Genes: ORAI1 (ORAI calcium release-activated calcium modulator 1; plus strand), LOC130008987 (ATAC-STARR-seq lymphoblastoid silent region 4981; plus strand). Cytogenetic location: 12q24.31.
Variant type: single nucleotide variant.
Coding change: c.259A>G on transcript NM_032790.4 (MANE Select); coding-DNA position 259, A replaced by G.
Protein change: p.Lys87Glu; replaces lysine 87 with glutamic acid.
Molecular consequence: missense variant. On other transcripts: non-coding transcript variant (1).
Genome position (GRCh38, 1-based): chr12:121,627,006, A>G. VCF-style: chr12-121627006-A-G.
Other names: short protein forms K87E.
Identifiers: ClinVar variation 2939075 (VCV002939075.3), dbSNP rs1555322601, ClinGen allele CA386981078.

ClinVar aggregate classification (germline): Uncertain significance (1 of 4 stars; one submission).

Conditions:
Combined immunodeficiency due to ORAI1 deficiency. Also called: IMMUNODEFICIENCY 9. Identifiers: Orphanet 169090, Orphanet 317428, MedGen C2748568, MONDO:0013007, OMIM 612782.
Myopathy, tubular aggregate, 2 (TAM2). Identifiers: MedGen C4014557, MONDO:0014383, OMIM 615883.

Allele frequency attached by ClinVar (database versions not stated): gnomAD exomes below 0.00001.

Submission:

Labcorp Genetics (formerly Invitae), Labcorp
Classification: Uncertain significance for Myopathy, tubular aggregate, 2; Combined immunodeficiency due to ORAI1 deficiency. Last evaluated: 2024-10-03. Review status: criteria provided, single submitter. Criteria: Invitae Variant Classification Sherloc (09022015). Collection method: clinical testing. Allele origin: germline.
Comment: This sequence change replaces lysine, which is basic and polar, with glutamic acid, which is acidic and polar, at codon 87 of the ORAI1 protein (p.Lys87Glu). This variant is present in population databases (no rsID available, gnomAD 0.007%). This variant has not been reported in the literature in individuals affected with ORAI1-related conditions. Algorithms developed to predict the effect of variants on gene product structure and function are not available or were not evaluated for this variant. Experimental studies have shown that this missense change does not substantially affect ORAI1 function (PMID: 23943619, 26809793). In summary, the available evidence is currently insufficient to determine the role of this variant in disease. Therefore, it has been classified as a Variant of Uncertain Significance.

Literature cited by the submitters: PubMed 23943619; PubMed 26809793.